The following is an entry in ClinVar:

ClinVar aggregate classification (germline): Likely pathogenic (1 of 4 stars; one submission).

Conditions:
Spastic paraplegia. Identifiers: MedGen C0037772, HP:0001258.

Submission:

Labcorp Genetics (formerly Invitae), Labcorp
Classification: Likely pathogenic for Spastic paraplegia. Last evaluated: 2023-06-11. Review status: criteria provided, single submitter. Criteria: Invitae Variant Classification Sherloc (09022015). Collection method: clinical testing. Allele origin: germline.
Comment: This sequence change affects an acceptor splice site in intron 2 of the SACS gene. It is expected to disrupt RNA splicing. Variants that disrupt the donor or acceptor splice site typically lead to a loss of protein function (PMID: 16199547), and loss-of-function variants in SACS are known to be pathogenic (PMID: 18465152, 20876471). This variant is not present in population databases (gnomAD no frequency). Algorithms developed to predict the effect of sequence changes on RNA splicing suggest that this variant may disrupt the consensus splice site. This variant has not been reported in the literature in individuals affected with SACS-related conditions. In summary, the currently available evidence indicates that the variant is pathogenic, but additional data are needed to prove that conclusively. Therefore, this variant has been classified as Likely Pathogenic.

Literature cited by the submitters: PubMed 16199547; PubMed 18465152; PubMed 20876471.

NM_014363.6(SACS):c.21-2A>G

Genes: SACS (sacsin molecular chaperone; minus strand), LOC130009366 (ATAC-STARR-seq lymphoblastoid silent region 5172; plus strand). Cytogenetic location: 13q12.12.
Variant type: single nucleotide variant.
Coding change: c.21-2A>G on transcript NM_014363.6 (MANE Select); the canonical splice acceptor site of the intron before coding-DNA position 21, A replaced by G.
Molecular consequence: splice acceptor variant.
Genome position (GRCh38, 1-based): chr13:23,375,271, T>C on the plus strand (A>G on the coding strand, the complement: SACS is on the minus strand). VCF-style: chr13-23375271-T-C. GRCh37 (hg19) VCF-style: chr13-23949410-T-C.
Other names: c.-333-2A>G (NM_001278055.2).
Identifiers: ClinVar variation 2753387 (VCV002753387.3), dbSNP rs2542505809, ClinGen allele CA387554849.